The following is an entry in ClinVar:

NM_002838.5(PTPRC):c.3189A>T (p.Glu1063Asp)

Gene: PTPRC (protein tyrosine phosphatase receptor type C; plus strand). Cytogenetic location: 1q32.1.
Variant type: single nucleotide variant.
Coding change: c.3189A>T on transcript NM_002838.5 (MANE Select); coding-DNA position 3189, A replaced by T.
Protein change: p.Glu1063Asp; replaces glutamic acid 1063 with aspartic acid.
Molecular consequence: missense variant.
Genome position (GRCh38, 1-based): chr1:198,750,608, A>T. VCF-style: chr1-198750608-A-T. GRCh37 (hg19) VCF-style: chr1-198719737-A-T.
Other names: c.2706A>T, p.Glu902Asp (NM_080921.4); short protein forms E1063D, E902D.
Identifiers: ClinVar variation 847201 (VCV000847201.7), dbSNP rs1655337581, ClinGen allele CA344054160.

ClinVar aggregate classification (germline): Uncertain significance (1 of 4 stars; one submission).

Conditions:
Immunodeficiency 104. Also called: Severe combined immunodeficiency, autosomal recessive, T cell-negative, B cell-positive, NK cell-positive; SCID, AUTOSOMAL RECESSIVE, T CELL-NEGATIVE, B CELL-POSITIVE, NK CELL-POSITIVE; IMMUNODEFICIENCY 104, SEVERE COMBINED; Severe Combined Immune Deficiency, Autosomal Recessive, TCell -Negative, B Cell-Positive, NK Cell-Positive, IL7R-Related. Identifiers: MedGen C5676890, MONDO:0012163, OMIM 608971.

Allele frequency attached by ClinVar (database versions not stated): gnomAD exomes below 0.00001.
gnomAD v4.1: 1 of 1,612,732 alleles (0.000062%); highest among the groups gnomAD compares: Non-Finnish European, 0.000085%; no homozygotes.

Submission:

Labcorp Genetics (formerly Invitae), Labcorp
Classification: Uncertain significance for Immunodeficiency 104. Last evaluated: 2021-08-31. Review status: criteria provided, single submitter. Criteria: Invitae Variant Classification Sherloc (09022015). Collection method: clinical testing. Allele origin: germline.
Comment: This sequence change replaces glutamic acid with aspartic acid at codon 1063 of the PTPRC protein (p.Glu1063Asp). The glutamic acid residue is moderately conserved and there is a small physicochemical difference between glutamic acid and aspartic acid. This variant is not present in population databases (ExAC no frequency). This variant has not been reported in the literature in individuals affected with PTPRC-related conditions. Algorithms developed to predict the effect of missense changes on protein structure and function output the following: SIFT: "Tolerated"; PolyPhen-2: "Benign"; Align-GVGD: "Class C0". The aspartic acid amino acid residue is found in multiple mammalian species, which suggests that this missense change does not adversely affect protein function. In summary, the available evidence is currently insufficient to determine the role of this variant in disease. Therefore, it has been classified as a Variant of Uncertain Significance.